The following is an entry in ClinVar:

ClinVar aggregate classification (germline): Benign. Review status: criteria provided, multiple submitters, no conflicts (2 of 4 stars). 3 submissions from 3 submitters: Benign (2). 1 of the submissions does not count toward it. Last evaluated 2018-06-05.

Conditions:
GCC2-related disorder. Also called: GCC2-related condition.

Allele frequency attached by ClinVar (database versions not stated): gnomAD 0.01611 and 0.01723; TOPMed 0.01818; gnomAD exomes 0.00404; ExAC 0.00524; 1000 Genomes Project 0.01837; 1000 Genomes Project 30x 0.01999; ESP Exome Variant Server 0.01953.
gnomAD v4.1: 4,255 of 1,558,460 alleles (0.27%); highest among the groups gnomAD compares: African/African-American, 5.2%; 101 homozygotes.

Submissions (3):

Labcorp Genetics (formerly Invitae), Labcorp
Classification: Benign. Last evaluated: 2018-06-05. Review status: criteria provided, single submitter. Criteria: Invitae Variant Classification Sherloc (09022015). Collection method: clinical testing. Allele origin: germline.

Breakthrough Genomics
Classification: Benign. Review status: criteria provided, single submitter. Criteria: ACMG Guidelines, 2015. Collection method: not provided. Allele origin: germline. Inheritance: Unknown mechanism. Affected: yes.

PreventionGenetics, part of Exact Sciences
Classification: Benign for GCC2-related condition. Last evaluated: 2019-07-10. Review status: no assertion criteria provided. Collection method: clinical testing. Allele origin: germline. Not counted in ClinVar's aggregate classification.
Comment: This variant is classified as benign based on ACMG/AMP sequence variant interpretation guidelines (Richards et al. 2015 PMID: 25741868, with internal and published modifications).

NM_181453.4(GCC2):c.185C>G (p.Pro62Arg)

Gene: GCC2 (GRIP and coiled-coil domain containing 2; plus strand). Cytogenetic location: 2q12.3.
Variant type: single nucleotide variant.
Coding change: c.185C>G on transcript NM_181453.4 (MANE Select); coding-DNA position 185, C replaced by G.
Protein change: p.Pro62Arg; replaces proline 62 with arginine.
Molecular consequence: missense variant. On other transcripts: non-coding transcript variant (1).
Genome position (GRCh38, 1-based): chr2:108,452,435, C>G. VCF-style: chr2-108452435-C-G. GRCh37 (hg19) VCF-style: chr2-109068891-C-G.
Other names: short protein forms P62R.
Identifiers: ClinVar variation 780830 (VCV000780830.6), dbSNP rs73954346, ClinGen allele CA1820299.